The following is an entry in ClinVar:

NM_001267550.2(TTN):c.22395A>G (p.Leu7465=)

Gene: TTN (titin; minus strand). Cytogenetic location: 2q31.2.
Variant type: single nucleotide variant.
Coding change: c.22395A>G on transcript NM_001267550.2 (MANE Select); coding-DNA position 22395, A replaced by G.
Protein change: p.Leu7465=; no amino-acid change (leucine 7465 retained).
Molecular consequence: synonymous variant. On other transcripts: intron variant (3).
Genome position (GRCh38, 1-based): chr2:178,722,392, T>C on the plus strand (A>G on the coding strand, the complement: TTN is on the minus strand). VCF-style: chr2-178722392-T-C. GRCh37 (hg19) VCF-style: chr2-179587119-T-C.
Other names: p.Leu7148=; c.21444A>G, p.Leu7148= (NM_001256850.1); c.18663A>G, p.Leu6221= (NM_133378.4); c.13282+15690A>G (NM_003319.4); c.13858+15690A>G (NM_133437.4); c.13657+15690A>G (NM_133432.3).
Identifiers: ClinVar variation 1132400 (VCV001132400.12), dbSNP rs753744867, ClinGen allele CA2000843.

ClinVar aggregate classification (germline): Likely benign. Review status: criteria provided, multiple submitters, no conflicts (2 of 4 stars). 4 submissions from 4 submitters: Likely benign (4). Last evaluated 2025-09-04.

Conditions:
TTN-related disorder. Also called: TTN-related condition; TTN-related disease; TTN-related disorders.
Autosomal recessive limb-girdle muscular dystrophy type 2J (LGMDR10). Also called: Limb-girdle muscular dystrophy, type 2J; MUSCULAR DYSTROPHY, LIMB-GIRDLE, AUTOSOMAL RECESSIVE 10. Identifiers: Orphanet 140922, MedGen C1837342, MONDO:0012127, OMIM 608807.
Dilated cardiomyopathy 1G (CMD1G). Identifiers: Orphanet 154, MedGen C1858763, MONDO:0011400, OMIM 604145.

Allele frequency attached by ClinVar (database versions not stated): gnomAD exomes below 0.00001 and 0.00001; ExAC 0.00001; TOPMed 0.00003; gnomAD 0.00004.
gnomAD v4.1: 21 of 1,613,354 alleles (0.0013%); highest among the groups gnomAD compares: Non-Finnish European, 0.0018%; no homozygotes.

Submissions (4):

PreventionGenetics, part of Exact Sciences
Classification: Likely benign for TTN-related condition. Last evaluated: 2025-09-04. Review status: criteria provided, single submitter. Criteria: ACMG Guidelines, 2015. Collection method: clinical testing. Allele origin: germline.
Comment: This variant is classified as likely benign based on ACMG/AMP sequence variant interpretation guidelines (Richards et al. 2015 PMID: 25741868, with internal and published modifications).

Labcorp Genetics (formerly Invitae), Labcorp
Classification: Likely benign for Dilated cardiomyopathy 1G; Autosomal recessive limb-girdle muscular dystrophy type 2J. Last evaluated: 2025-07-09. Review status: criteria provided, single submitter. Criteria: Invitae Variant Classification Sherloc (09022015). Collection method: clinical testing. Allele origin: germline.

Mayo Clinic Laboratories, Mayo Clinic
Classification: Likely benign. Last evaluated: 2025-02-13. Review status: criteria provided, single submitter. Criteria: ACMG Guidelines, 2015. Collection method: clinical testing. Allele origin: germline. Observed: 1 variant allele.
Comment: BP4, BP7

Blueprint Genetics
Classification: Likely benign. Last evaluated: 2024-10-15. Review status: criteria provided, single submitter. Criteria: ACMG Guidelines, 2015. Collection method: clinical testing. Allele origin: germline.